The following is an entry in ClinVar:

NM_001197104.2(KMT2A):c.4999C>T (p.Arg1667Trp)

Gene: KMT2A (lysine methyltransferase 2A; plus strand). Cytogenetic location: 11q23.3.
Variant type: single nucleotide variant.
Coding change: c.4999C>T on transcript NM_001197104.2 (MANE Select); coding-DNA position 4999, C replaced by T.
Protein change: p.Arg1667Trp; replaces arginine 1667 with tryptophan.
Molecular consequence: missense variant.
Genome position (GRCh38, 1-based): chr11:118,491,923, C>T. VCF-style: chr11-118491923-C-T. GRCh37 (hg19) VCF-style: chr11-118362638-C-T.
Other names: c.5089C>T, p.Arg1697Trp (NM_001412597.1); c.4990C>T, p.Arg1664Trp (NM_005933.4); short protein forms R1664W, R1667W, R1697W.
Identifiers: ClinVar variation 1937792 (VCV001937792.5), dbSNP rs1555042614, ClinGen allele CA382836424.

ClinVar aggregate classification (germline): Uncertain significance (1 of 4 stars; one submission).

gnomAD v4.1: 6 of 1,611,812 alleles (0.00037%); highest among the groups gnomAD compares: Non-Finnish European, 0.00051%; no homozygotes.

Submission:

Labcorp Genetics (formerly Invitae), Labcorp
Classification: Uncertain significance. Last evaluated: 2022-06-04. Review status: criteria provided, single submitter. Criteria: Invitae Variant Classification Sherloc (09022015). Collection method: clinical testing. Allele origin: germline.
Comment: This sequence change replaces arginine, which is basic and polar, with tryptophan, which is neutral and slightly polar, at codon 1667 of the KMT2A protein (p.Arg1667Trp). This variant is present in population databases (no rsID available, gnomAD 0.0009%). This variant has not been reported in the literature in individuals affected with KMT2A-related conditions. Advanced modeling of protein sequence and biophysical properties (such as structural, functional, and spatial information, amino acid conservation, physicochemical variation, residue mobility, and thermodynamic stability) performed at Invitae indicates that this missense variant is expected to disrupt KMT2A protein function. In summary, the available evidence is currently insufficient to determine the role of this variant in disease. Therefore, it has been classified as a Variant of Uncertain Significance.